The following is an entry in ClinVar:

NM_001378615.1(CC2D2A):c.1760T>C (p.Val587Ala)

Genes: CC2D2A (coiled-coil and C2 domain containing 2A; plus strand), FBXL5 (F-box and leucine rich repeat protein 5; minus strand). Cytogenetic location: 4p15.32.
Variant type: single nucleotide variant.
Coding change: c.1760T>C on transcript NM_001378615.1 (MANE Select); coding-DNA position 1760, T replaced by C.
Protein change: p.Val587Ala; replaces valine 587 with alanine.
Molecular consequence: missense variant.
Genome position (GRCh38, 1-based): chr4:15,537,072, T>C. VCF-style: chr4-15537072-T-C. GRCh37 (hg19) VCF-style: chr4-15538695-T-C.
Other names: c.1760T>C, p.Val587Ala (NM_001080522.2); c.1613T>C, p.Val538Ala (NM_001378617.1); short protein forms V587A, V538A.
Identifiers: ClinVar variation 1899449 (VCV001899449.6), dbSNP rs753143836, ClinGen allele CA2863749.

ClinVar aggregate classification (germline): Uncertain significance. Review status: criteria provided, multiple submitters, no conflicts (2 of 4 stars). 2 submissions from 2 submitters: Uncertain significance (2). Last evaluated 2024-02-04.

Conditions:
Retinitis pigmentosa 93. Identifiers: MedGen C5676970, MONDO:0030797, OMIM 619845.
COACH syndrome 2. Identifiers: MedGen C5436837, MONDO:0030859, OMIM 619111.
Meckel syndrome, type 6. Identifiers: Orphanet 564, MedGen C2676790, MONDO:0012848, OMIM 612284.
Joubert syndrome 9 (JBTS9). Identifiers: Orphanet 2318, MedGen C2676788, MONDO:0012849, OMIM 612285.
Joubert syndrome. Also called: Familial aplasia of the vermis; JOUBERT-BOLTSHAUSER SYNDROME. Identifiers: Orphanet 475, MedGen C5979921, MONDO:0018772.
Meckel-Gruber syndrome. Also called: Dysencephalia splachnocystica; DYSENCEPHALIA SPLANCHNOCYSTICA; GRUBER SYNDROME. Identifiers: Orphanet 564, MedGen C0265215, MONDO:0018921.

Allele frequency attached by ClinVar (database versions not stated): TOPMed below 0.00001; gnomAD 0.00001; ExAC 0.00002.
gnomAD v4.1: 7 of 1,612,946 alleles (0.00043%); highest among the groups gnomAD compares: Admixed American, 0.0017%; no homozygotes.

Submissions (2):

Fulgent Genetics
Classification: Uncertain significance for Meckel syndrome, type 6; Joubert syndrome 9; COACH syndrome 2; Retinitis pigmentosa 93. Last evaluated: 2024-02-04. Review status: criteria provided, single submitter. Criteria: ACMG Guidelines, 2015. Collection method: clinical testing. Allele origin: germline.

Labcorp Genetics (formerly Invitae), Labcorp
Classification: Uncertain significance for Joubert syndrome; Meckel-Gruber syndrome. Last evaluated: 2022-02-19. Review status: criteria provided, single submitter. Criteria: Invitae Variant Classification Sherloc (09022015). Collection method: clinical testing. Allele origin: germline.
Comment: In summary, the available evidence is currently insufficient to determine the role of this variant in disease. Therefore, it has been classified as a Variant of Uncertain Significance. Advanced modeling of protein sequence and biophysical properties (such as structural, functional, and spatial information, amino acid conservation, physicochemical variation, residue mobility, and thermodynamic stability) performed at Invitae indicates that this missense variant is not expected to disrupt CC2D2A protein function. This variant has not been reported in the literature in individuals affected with CC2D2A-related conditions. This variant is present in population databases (rs753143836, gnomAD 0.002%). This sequence change replaces valine, which is neutral and non-polar, with alanine, which is neutral and non-polar, at codon 587 of the CC2D2A protein (p.Val587Ala).